The following is an entry in ClinVar:

ClinVar aggregate classification (germline): Uncertain significance (1 of 4 stars; one submission).

Conditions:
Familial cancer of breast. Also called: BREAST CANCER, FAMILIAL; Hereditary breast cancer; hereditary breast carcinoma. Identifiers: Orphanet 227535, MedGen C0346153, MONDO:0016419, OMIM 114480. Disease mechanism: loss of function.

Submission:

Labcorp Genetics (formerly Invitae), Labcorp
Classification: Uncertain significance for Familial cancer of breast. Last evaluated: 2025-08-03. Review status: criteria provided, single submitter. Criteria: Invitae Variant Classification Sherloc (09022015). Collection method: clinical testing. Allele origin: germline.
Comment: This sequence change replaces arginine, which is basic and polar, with threonine, which is neutral and polar, at codon 879 of the PALB2 protein (p.Arg879Thr). This variant is not present in population databases (gnomAD no frequency). This variant has not been reported in the literature in individuals affected with PALB2-related conditions. Invitae Evidence Modeling of protein sequence and biophysical properties (such as structural, functional, and spatial information, amino acid conservation, physicochemical variation, residue mobility, and thermodynamic stability) indicates that this missense variant is not expected to disrupt PALB2 protein function with a negative predictive value of 80%. In summary, the available evidence is currently insufficient to determine the role of this variant in disease. Therefore, it has been classified as a Variant of Uncertain Significance.

NM_024675.4(PALB2):c.2636G>C (p.Arg879Thr)

Gene: PALB2 (partner and localizer of BRCA2; minus strand). Cytogenetic location: 16p12.2.
Variant type: single nucleotide variant.
Coding change: c.2636G>C on transcript NM_024675.4 (MANE Select); coding-DNA position 2636, G replaced by C.
Protein change: p.Arg879Thr; replaces arginine 879 with threonine.
Molecular consequence: missense variant. On other transcripts: intron variant (3).
Genome position (GRCh38, 1-based): chr16:23,626,348, C>G on the plus strand (G>C on the coding strand, the complement: PALB2 is on the minus strand). VCF-style: chr16-23626348-C-G. GRCh37 (hg19) VCF-style: chr16-23637669-C-G.
Other names: c.1751G>C, p.Arg584Thr (NM_001407306.1, NM_001407308.1, NM_001407309.1 and 4 more transcripts); c.2636G>C, p.Arg879Thr (NM_001407301.1, NM_001407299.1, NM_001407300.1); c.2576G>C, p.Arg859Thr (NM_001407296.1); c.2564G>C, p.Arg855Thr (NM_001407297.1); c.848G>C, p.Arg283Thr (NM_001407312.1, NM_001407313.1); c.170G>C, p.Arg57Thr (NM_001407314.1); c.2587-2254G>C (NM_001407302.1, NM_001407298.1); c.1702-2254G>C (NM_001407307.1); short protein forms R855T, R859T, R283T, R57T, R584T, R879T.
Identifiers: ClinVar variation 4743519 (VCV004743519.1).